The following is an entry in ClinVar:

NM_153704.6(TMEM67):c.1511C>A (p.Ser504Tyr)

Gene: TMEM67 (transmembrane protein 67; plus strand). Cytogenetic location: 8q22.1.
Variant type: single nucleotide variant.
Coding change: c.1511C>A on transcript NM_153704.6 (MANE Select); coding-DNA position 1511, C replaced by A.
Protein change: p.Ser504Tyr; replaces serine 504 with tyrosine.
Molecular consequence: missense variant. On other transcripts: non-coding transcript variant (1).
Genome position (GRCh38, 1-based): chr8:93,787,942, C>A. VCF-style: chr8-93787942-C-A. GRCh37 (hg19) VCF-style: chr8-94800170-C-A.
Other names: c.1268C>A, p.Ser423Tyr (NM_001142301.1); short protein forms S504Y, S423Y.
Identifiers: ClinVar variation 363921 (VCV000363921.16), dbSNP rs114655330, ClinGen allele CA4807990.

ClinVar aggregate classification (germline): Conflicting classifications of pathogenicity. Review status: criteria provided, conflicting classifications (1 of 4 stars). 7 submissions from 5 submitters: Uncertain significance (3); Benign (1); Likely benign (3). Last evaluated 2026-04-08.

Conditions:
Inborn genetic diseases. Identifiers: MedGen C0950123, MeSH D030342.
TMEM67-related disorder. Also called: TMEM67-related condition; TMEM67-related disorders. Identifiers: MedGen CN239423.
Meckel-Gruber syndrome. Also called: DYSENCEPHALIA SPLANCHNOCYSTICA; GRUBER SYNDROME; Dysencephalia splachnocystica. Identifiers: Orphanet 564, MedGen C0265215, MONDO:0018921.
Joubert syndrome. Also called: Familial aplasia of the vermis; JOUBERT-BOLTSHAUSER SYNDROME. Identifiers: Orphanet 475, MedGen C5979921, MONDO:0018772.
Joubert syndrome 6 (JBTS6). Identifiers: Orphanet 475, MedGen C1853153, MONDO:0012539, OMIM 610688.
Nephronophthisis 11 (NPHP11). Identifiers: Orphanet 84081, MedGen C3150796, MONDO:0013302, OMIM 613550.
Meckel syndrome, type 3 (MKS3). Also called: MECKEL-GRUBER SYNDROME, TYPE 3. Identifiers: Orphanet 564, MedGen C1846357, MONDO:0011821, OMIM 607361.

Allele frequency attached by ClinVar (database versions not stated): gnomAD 0.00009 and 0.00013; TOPMed 0.00010; ExAC 0.00022; gnomAD exomes 0.00023; 1000 Genomes Project 30x 0.00078; 1000 Genomes Project 0.00100.
gnomAD v4.1: 78 of 1,611,448 alleles (0.0048%); highest among the groups gnomAD compares: East Asian, 0.17%; no homozygotes.

Submissions (7):

PreventionGenetics, part of Exact Sciences
Classification: Likely benign for TMEM67-related condition. Last evaluated: 2026-04-08. Review status: criteria provided, single submitter. Criteria: ACMG Guidelines, 2015. Collection method: clinical testing. Allele origin: germline.
Comment: This variant is classified as likely benign based on ACMG/AMP sequence variant interpretation guidelines (Richards et al. 2015 PMID: 25741868, with internal and published modifications).

Labcorp Genetics (formerly Invitae), Labcorp
Classification: Benign for Joubert syndrome; Meckel-Gruber syndrome. Last evaluated: 2026-01-24. Review status: criteria provided, single submitter. Criteria: Invitae Variant Classification Sherloc (09022015). Collection method: clinical testing. Allele origin: germline.

Blueprint Genetics
Classification: Likely benign. Last evaluated: 2024-05-22. Review status: criteria provided, single submitter. Criteria: ACMG Guidelines, 2015. Collection method: clinical testing. Allele origin: germline.

Ambry Genetics
Classification: Likely benign for Inborn genetic diseases. Last evaluated: 2022-12-13. Review status: criteria provided, single submitter. Criteria: Ambry Variant Classification Scheme 2023. Collection method: clinical testing. Allele origin: germline.

Illumina Laboratory Services, Illumina
Classification: Uncertain significance for Meckel syndrome, type 3. Last evaluated: 2018-01-13. Review status: criteria provided, single submitter. Criteria: ICSL Variant Classification Criteria 13 December 2019. Collection method: clinical testing. Allele origin: germline.

Illumina Laboratory Services, Illumina
Classification: Uncertain significance for Joubert syndrome 6. Last evaluated: 2018-01-13. Review status: criteria provided, single submitter. Criteria: ICSL Variant Classification Criteria 13 December 2019. Collection method: clinical testing. Allele origin: germline.

Illumina Laboratory Services, Illumina
Classification: Uncertain significance for Nephronophthisis 11. Last evaluated: 2018-01-13. Review status: criteria provided, single submitter. Criteria: ICSL Variant Classification Criteria 13 December 2019. Collection method: clinical testing. Allele origin: germline.